The following is an entry in ClinVar:

ClinVar aggregate classification (germline): Pathogenic. Review status: criteria provided, multiple submitters, no conflicts (2 of 4 stars). 4 submissions from 4 submitters: Pathogenic (4). Last evaluated 2026-01-30.

Conditions:
Polycystic kidney disease 6 with or without polycystic liver disease. Also called: Autosomal Dominant Polycystic Kidney Disease-DNAJB11. Identifiers: MedGen C4748044, MONDO:0054842, OMIM 618061.
DNAJB11-related disorders.
Autosomal dominant polycystic kidney disease. Identifiers: Orphanet 730, MedGen C0085413, MONDO:0004691.
Inborn genetic diseases. Identifiers: MedGen C0950123, MeSH D030342.

Allele frequency attached by ClinVar (database versions not stated): gnomAD exomes below 0.00001; TOPMed below 0.00001; ExAC 0.00002.
gnomAD v4.1: 5 of 1,585,980 alleles (0.00032%); highest among the groups gnomAD compares: Non-Finnish European, 0.00043%; no homozygotes.

Submissions (4):

Mayo Translational Polycystic Kidney Disease Center, Mayo Clinic
Classification: Pathogenic for Autosomal dominant polycystic kidney disease. Last evaluated: 2026-01-30. Review status: criteria provided, single submitter. Criteria: ACMG Guidelines, 2015. Collection method: research. Allele origin: germline. Inheritance: Autosomal dominant inheritance. Affected: yes.
Comment: The c.724C>T variant in the DNAJB11 gene results in a premature stop codon at position 242 (p.Arg242Ter) and is predicted to produce a truncated protein lacking essential functional domains. This nonsense variant is expected to lead to loss of function through production of a nonfunctional protein, meeting the PVS1 criterion. The variant is extremely rare, with an allele frequency of less than 0.01% in population databases such as gnomAD v4.1.0, supporting PM2. Loss-of-function variants in DNAJB11 are a known mechanism of disease and are associated with atypical autosomal dominant polycystic kidney disease. This specific variant has been reported in individuals from multiple families with kidney cystic disease (PMID: 32631624), providing supporting evidence for PP4 based on phenotype–genotype consistency. Based on the nature of the mutation, its rarity, the established disease mechanism, and supporting clinical reports, this variant is best classified as pathogenic.

Victorian Clinical Genetics Services, Murdoch Childrens Research Institute
Classification: Pathogenic for Polycystic kidney disease 6 with or without polycystic liver disease. Last evaluated: 2025-12-02. Review status: criteria provided, single submitter. Criteria: ACMG Guidelines, 2015. Collection method: clinical testing. Allele origin: germline. Affected: yes.
Comment: This variant is classified as Pathogenic. Evidence in support of pathogenic classification: Variant is predicted to cause nonsense-mediated decay (NMD) and loss of protein (premature termination codon is located at least 54 nucleotides upstream of the final exon-exon junction); Variant is present in gnomAD <0.001 for a dominant condition (v4: 5 heterozygote(s), 0 homozygote(s)); This variant has moderate previous evidence of pathogenicity in unrelated individuals. It has been classified as pathogenic by a clinical laboratory (ClinVar) and reported in the literature in multiple unrelated individuals with DNAJB11-related symptoms (PMID: 32631624); Other NMD-predicted variant(s) comparable to the one identified in this case have very strong previous evidence for pathogenicity (DECIPHER, VCGS cohort). Additional information: This variant is heterozygous; This gene is associated with autosomal dominant disease. However, there is emerging evidence of a recessive association (PMID: 33129895, 34177435); Loss of function is a known mechanism of disease in this gene and is associated with polycystic kidney disease 6 with or without polycystic liver disease (MIM#618061); Inheritance information for this variant is not currently available in this individual.

Blueprint Genetics
Classification: Pathogenic for DNAJB11-related disorders. Last evaluated: 2022-05-20. Review status: criteria provided, single submitter. Criteria: ACMG Guidelines, 2015. Collection method: clinical testing. Allele origin: germline. Affected: yes. Observed: 2 variant alleles.

Ambry Genetics
Classification: Pathogenic for Inborn genetic diseases. Last evaluated: 2022-04-27. Review status: criteria provided, single submitter. Criteria: Ambry Variant Classification Scheme 2023. Collection method: clinical testing. Allele origin: germline.
Comment: The c.724C>T (p.R242*) alteration, located in exon 7 (coding exon 7) of the DNAJB11 gene, consists of a C to T substitution at nucleotide position 724. This changes the amino acid from an arginine (R) to a stop codon at amino acid position 242. This alteration is expected to result in loss of function by premature protein truncation or nonsense-mediated mRNA decay. This alteration was identified in four individuals from three families with renal phenotypes. The two related individuals were reported to have renal cysts, microcalcifications, and high blood pressure. The third individual was reported to have multiple renal cysts (cortical and medullary), high blood pressure, and inguinal and umbilical hernias. The fourth individual was reported to have nephrocalcinosis and stage 3 chronic kidney disease (Huynh, 2020). Based on the available evidence, this alteration is classified as pathogenic.

Literature cited by the submitters: PubMed 32631624 (cited by 3 submitters); PubMed 34177435 (cited by Victorian Clinical Genetics Services, Murdoch Childrens Research Institute); PubMed 33129895 (cited by Victorian Clinical Genetics Services, Murdoch Childrens Research Institute).

NM_016306.6(DNAJB11):c.724C>T (p.Arg242Ter)

Gene: DNAJB11 (DnaJ heat shock protein family (Hsp40) member B11; plus strand). Cytogenetic location: 3q27.3.
Variant type: single nucleotide variant.
Coding change: c.724C>T on transcript NM_016306.6 (MANE Select); coding-DNA position 724, C replaced by T.
Protein change: p.Arg242Ter; replaces arginine 242 with a stop codon.
Molecular consequence: nonsense. On other transcripts: non-coding transcript variant (6).
Genome position (GRCh38, 1-based): chr3:186,582,757, C>T. VCF-style: chr3-186582757-C-T. GRCh37 (hg19) VCF-style: chr3-186300546-C-T.
Other names: c.448C>T, p.Arg150Ter (NM_001378451.1); short protein forms R150*, R242*.
Identifiers: ClinVar variation 2281222 (VCV002281222.6), dbSNP rs765764090, ClinGen allele CA2744559.